The following is an entry in ClinVar:

ClinVar aggregate classification (germline): Likely benign. Review status: criteria provided, multiple submitters, no conflicts (2 of 4 stars). 2 submissions from 2 submitters: Likely benign (2). Last evaluated 2025-05-23.

Conditions:
PEX16-related disorder. Also called: PEX16-related condition.
Peroxisome biogenesis disorder. Identifiers: Orphanet 79189, MedGen C1832200, MONDO:0019234. Disease mechanism: loss of function.

gnomAD v4.1: 2 of 1,614,220 alleles (0.00012%); highest among the groups gnomAD compares: Admixed American, 0.0017%; no homozygotes.

Submissions (2):

PreventionGenetics, part of Exact Sciences
Classification: Likely benign for PEX16-related condition. Last evaluated: 2025-05-23. Review status: criteria provided, single submitter. Criteria: ACMG Guidelines, 2015. Collection method: clinical testing. Allele origin: germline.
Comment: This variant is classified as likely benign based on ACMG/AMP sequence variant interpretation guidelines (Richards et al. 2015 PMID: 25741868, with internal and published modifications).

Labcorp Genetics (formerly Invitae), Labcorp
Classification: Likely benign for Peroxisome biogenesis disorder. Last evaluated: 2024-12-23. Review status: criteria provided, single submitter. Criteria: Invitae Variant Classification Sherloc (09022015). Collection method: clinical testing. Allele origin: germline.

NM_004813.4(PEX16):c.516C>T (p.Asn172=)

Gene: PEX16 (peroxisomal biogenesis factor 16; minus strand). Cytogenetic location: 11p11.2.
Variant type: single nucleotide variant.
Coding change: c.516C>T on transcript NM_004813.4 (MANE Select); coding-DNA position 516, C replaced by T.
Protein change: p.Asn172=; no amino-acid change (asparagine 172 retained).
Molecular consequence: synonymous variant.
Genome position (GRCh38, 1-based): chr11:45,914,629, G>A on the plus strand (C>T on the coding strand, the complement: PEX16 is on the minus strand). VCF-style: chr11-45914629-G-A. GRCh37 (hg19) VCF-style: chr11-45936180-G-A.
Other names: c.516C>T, p.Asn172= (NM_057174.3); c.516C>T (NM_004813.2).
Identifiers: ClinVar variation 3727426 (VCV003727426.3).
Genomic context (GRCh38, chr11:45,914,629, plus strand): 5'-CCTAGGTGCCCAGGCCAGCCACATCCTCCACTTACTGTTCTGGAGGGTTCGCACCACCCG[G>A]TTTGACCGCTTCCCCACGTAGGACTGCTCATGGTTGCCAGGGCTGTGGTCACCATCTAGC-3'
Protein context (NP_004804.2, residues 162-182): HEQSYVGKRS[Asn172=]RVVRTLQNTP